The following is an entry in ClinVar:

ClinVar aggregate classification (germline): Benign/Likely benign. Review status: criteria provided, multiple submitters, no conflicts (2 of 4 stars). 10 submissions from 9 submitters: Benign (2); Likely benign (8). Last evaluated 2026-02-04.

Conditions:
Hereditary cancer-predisposing syndrome. Also called: Tumor predisposition; Hereditary neoplastic syndrome; Hereditary Cancer Syndrome; Neoplastic Syndromes, Hereditary. Identifiers: Orphanet 140162, MedGen C0027672, MeSH D009386, MONDO:0015356.
Holoprosencephaly 7 (HPE7). Identifiers: Orphanet 2162, MedGen C1835820, MONDO:0012562, OMIM 610828.
Gorlin syndrome. Also called: Basal cell nevus syndrome; Nevoid Basal Cell Carcinoma Syndrome. Identifiers: Orphanet 377, MedGen C0004779, MONDO:0007187.

Allele frequency attached by ClinVar (database versions not stated): TOPMed 0.00014; gnomAD 0.00015 and 0.00016; 1000 Genomes Project 30x 0.00016; 1000 Genomes Project 0.00020; ExAC 0.00022; ESP Exome Variant Server 0.00023; gnomAD exomes 0.00029 and 0.00030.
gnomAD v4.1: 462 of 1,614,080 alleles (0.029%); highest among the groups gnomAD compares: Admixed American, 0.078%; 1 homozygote.

Submissions (10):

Labcorp Genetics (formerly Invitae), Labcorp
Classification: Benign for Gorlin syndrome. Last evaluated: 2026-02-04. Review status: criteria provided, single submitter. Criteria: Invitae Variant Classification Sherloc (09022015). Collection method: clinical testing. Allele origin: germline.

Center for Genomic Medicine, Rigshospitalet, Copenhagen University Hospital
Classification: Likely benign. Last evaluated: 2025-12-29. Review status: criteria provided, single submitter. Criteria: ACMG Guidelines, 2015. Collection method: clinical testing. Allele origin: germline.

Blueprint Genetics
Classification: Likely benign. Last evaluated: 2024-09-25. Review status: criteria provided, single submitter. Criteria: ACMG Guidelines, 2015. Collection method: clinical testing. Allele origin: germline.

CeGaT Center for Human Genetics Tuebingen
Classification: Likely benign. Last evaluated: 2024-04-01. Review status: criteria provided, single submitter. Criteria: CeGaT Center For Human Genetics Tuebingen Variant Classification Criteria Version 2. Collection method: clinical testing. Allele origin: germline. Affected: yes. Observed: 2 variant alleles.
Comment: PTCH1: BP4, BP7

Sema4
Classification: Likely benign for Hereditary cancer-predisposing syndrome. Last evaluated: 2022-03-04. Review status: criteria provided, single submitter. Criteria: Sema4 Curation Guidelines. Collection method: curation. Allele origin: germline.

Illumina Laboratory Services, Illumina
Classification: Likely benign for Holoprosencephaly 7. Last evaluated: 2018-01-13. Review status: criteria provided, single submitter. Criteria: ICSL Variant Classification Criteria 13 December 2019. Collection method: clinical testing. Allele origin: germline.
Comment: This variant was observed in the ICSL laboratory as part of a predisposition screen in an ostensibly healthy population. It had not been previously curated by ICSL or reported in the Human Gene Mutation Database (HGMD: prior to June 1st, 2018), and was therefore a candidate for classification through an automated scoring system. Utilizing variant allele frequency, disease prevalence and penetrance estimates, and inheritance mode, an automated score was calculated to assess if this variant is too frequent to cause the disease. Based on the score and internal cut-off values, a variant classified as likely benign is not then subjected to further curation. The score for this variant resulted in a classification of likely benign for this disease.

Illumina Laboratory Services, Illumina
Classification: Benign for Basal cell nevus syndrome 1. Last evaluated: 2018-01-13. Review status: criteria provided, single submitter. Criteria: ICSL Variant Classification Criteria 13 December 2019. Collection method: clinical testing. Allele origin: germline.
Comment: This variant was observed in the ICSL laboratory as part of a predisposition screen in an ostensibly healthy population. It had not been previously curated by ICSL or reported in the Human Gene Mutation Database (HGMD: prior to June 1st, 2018), and was therefore a candidate for classification through an automated scoring system. Utilizing variant allele frequency, disease prevalence and penetrance estimates, and inheritance mode, an automated score was calculated to assess if this variant is too frequent to cause the disease. Based on the score and internal cut-off values, a variant classified as benign is not then subjected to further curation. The score for this variant resulted in a classification of benign for this disease.

Ambry Genetics
Classification: Likely benign for Hereditary cancer-predisposing syndrome. Last evaluated: 2017-07-28. Review status: criteria provided, single submitter. Criteria: Ambry Variant Classification Scheme 2023. Collection method: clinical testing. Allele origin: germline.

GeneDx
Classification: Likely benign. Last evaluated: 2017-01-31. Review status: criteria provided, single submitter. Criteria: GeneDx Variant Classification (06012015). Collection method: clinical testing. Allele origin: germline. Affected: yes.
Comment: This variant is considered likely benign or benign based on one or more of the following criteria: it is a conservative change, it occurs at a poorly conserved position in the protein, it is predicted to be benign by multiple in silico algorithms, and/or has population frequency not consistent with disease.

PreventionGenetics, part of Exact Sciences
Classification: Likely benign. Review status: criteria provided, single submitter. Criteria: ACMG Guidelines, 2015. Collection method: clinical testing. Allele origin: germline.

NM_000264.5(PTCH1):c.567T>C (p.His189=)

Gene: PTCH1 (patched 1; minus strand). Cytogenetic location: 9q22.32.
Variant type: single nucleotide variant.
Coding change: c.567T>C on transcript NM_000264.5 (MANE Select); coding-DNA position 567, T replaced by C.
Protein change: p.His189=; no amino-acid change (histidine 189 retained).
Molecular consequence: synonymous variant. On other transcripts: non-coding transcript variant (1).
Genome position (GRCh38, 1-based): chr9:95,485,702, A>G on the plus strand (T>C on the coding strand, the complement: PTCH1 is on the minus strand). VCF-style: chr9-95485702-A-G. GRCh37 (hg19) VCF-style: chr9-98247984-A-G.
Other names: c.369T>C, p.His123= (NM_001083602.3, NM_001354919.2); c.564T>C, p.His188= (NM_001083603.3); c.114T>C, p.His38= (NM_001083604.3, NM_001083605.3, NM_001083606.3 and 1 more transcripts); c.567T>C, p.His189= (NM_001354918.2).
Identifiers: ClinVar variation 135904 (VCV000135904.47), dbSNP rs150759973, ClinGen allele CA332587.